The following is an entry in ClinVar:

NM_000540.3(RYR1):c.8817A>G (p.Arg2939=)

Gene: RYR1 (ryanodine receptor 1; plus strand). Cytogenetic location: 19q13.2.
Variant type: single nucleotide variant.
Coding change: c.8817A>G on transcript NM_000540.3 (MANE Select); coding-DNA position 8817, A replaced by G.
Protein change: p.Arg2939=; no amino-acid change (arginine 2939 retained).
Molecular consequence: synonymous variant.
Genome position (GRCh38, 1-based): chr19:38,507,712, A>G. VCF-style: chr19-38507712-A-G. GRCh37 (hg19) VCF-style: chr19-38998352-A-G.
Other names: c.8817A>G, p.Arg2939= (NM_001042723.2).
Identifiers: ClinVar variation 3385484 (VCV003385484.2).

ClinVar aggregate classification (germline): Likely benign. Review status: criteria provided, multiple submitters, no conflicts (2 of 4 stars). 2 submissions from 2 submitters: Likely benign (2). Last evaluated 2024-05-30.

Conditions:
Malignant hyperthermia, susceptibility to, 1 (MHS1). Also called: Anesthesia related hyperthermia; Malignant hyperpyrexia; Fulminating hyperpyrexia; Pharmacogenic myopathy; Malignant hyperthermia suceptibility 1; RYR1-Related Malignant Hyperthermia Susceptibility. Identifiers: Orphanet 423, MedGen C2930980, MONDO:0007783, OMIM 145600.

Submissions (2):

All of Us Research Program, National Institutes of Health
Classification: Likely benign for Malignant hyperthermia, susceptibility to, 1. Last evaluated: 2024-05-30. Review status: criteria provided, single submitter. Criteria: ACMG Guidelines, 2015. Collection method: clinical testing. Allele origin: germline. Inheritance: Autosomal dominant inheritance. Observed: 1 variant allele, 1 heterozygote.
Comment: This study involves interpretation of variants in research participants for the purpose of population health screening. Participant phenotype was not available at the time of variant classification. Additional details can be found in publication PMID: 35346344, PMCID: PMC8962531

Color Diagnostics, LLC DBA Color Health
Classification: Likely benign for Malignant hyperthermia, susceptibility to, 1. Last evaluated: 2024-05-21. Review status: criteria provided, single submitter. Criteria: ACMG Guidelines, 2015. Collection method: clinical testing. Allele origin: germline.